The following is an entry in ClinVar:

ClinVar aggregate classification (germline): Likely pathogenic. Review status: criteria provided, single submitter (1 of 4 stars). 2 submissions from 2 submitters: Likely pathogenic (1). 1 of the submissions does not count toward it. Last evaluated 2024-08-29.

Conditions:
Cardiovascular phenotype. Identifiers: MedGen CN230736.
TECRL-related disorder. Also called: TECRL-related condition.

gnomAD v4.1: 10 of 1,611,898 alleles (0.00062%); highest among the groups gnomAD compares: Non-Finnish European, 0.00085%; no homozygotes.

Submissions (2):

Ambry Genetics
Classification: Likely pathogenic for Cardiovascular phenotype. Last evaluated: 2024-08-29. Review status: criteria provided, single submitter. Criteria: Ambry Variant Classification Scheme 2023. Collection method: clinical testing. Allele origin: germline.
Comment: The c.658-2A>G intronic variant results from an A to G substitution two nucleotides upstream from coding exon 7 in the TECRL gene. This variant is considered to be rare based on population cohorts in the Genome Aggregation Database (gnomAD). This nucleotide position is highly conserved in available vertebrate species. In silico splice site analysis predicts that this alteration will weaken the native splice acceptor site. Alterations that disrupt the canonical splice site are expected to cause aberrant splicing, resulting in an abnormal protein or a transcript that is subject to nonsense-mediated mRNA decay. As such, this alteration is classified as likely pathogenic.

PreventionGenetics, part of Exact Sciences
Classification: Likely pathogenic for TECRL-related condition. Last evaluated: 2024-06-29. Review status: no assertion criteria provided. Collection method: clinical testing. Allele origin: germline. Not counted in ClinVar's aggregate classification.
Comment: The TECRL c.658-2A>G variant is predicted to disrupt the AG splice acceptor site and interfere with normal splicing. This variant has been reported in the homozygous state in an individual with catecholaminergic polymorphic ventricular tachycardia (Porretta et al. 2024. DOI 10.57187/s.4025). This variant has not been reported in a large population database, indicating this variant is rare. Variants that disrupt the consensus splice acceptor site in TECRL are expected to be pathogenic. This variant is interpreted as likely pathogenic.

NM_001010874.5(TECRL):c.658-2A>G

Gene: TECRL (trans-2,3-enoyl-CoA reductase like; minus strand). Cytogenetic location: 4q13.1.
Variant type: single nucleotide variant.
Coding change: c.658-2A>G on transcript NM_001010874.5 (MANE Select); the canonical splice acceptor site of the intron before coding-DNA position 658, A replaced by G.
Molecular consequence: splice acceptor variant.
Genome position (GRCh38, 1-based): chr4:64,305,240, T>C on the plus strand (A>G on the coding strand, the complement: TECRL is on the minus strand). VCF-style: chr4-64305240-T-C. GRCh37 (hg19) VCF-style: chr4-65170958-T-C.
Other names: c.658-2A>G (NM_001363796.1).
Identifiers: ClinVar variation 3354650 (VCV003354650.2).